The following is an entry in ClinVar:

NM_015631.6(TCTN3):c.920_941del (p.Ala307fs)

Gene: TCTN3 (tectonic family member 3; minus strand). Cytogenetic location: 10q24.1.
Variant type: Deletion.
Coding change: c.920_941del on transcript NM_015631.6 (MANE Select); coding-DNA positions 920 to 941, 22 bases deleted (CTAATGCTCCTCTGTTGGCTGG).
Protein change: p.Ala307fs; shifts the reading frame from alanine 307.
Molecular consequence: frameshift variant. On other transcripts: intron variant (1).
Genome position (GRCh38, 1-based): chr10:95,685,584-95,685,605, CCAGCCAACAGAGGAGCATTAG deleted on the plus strand (CTAATGCTCCTCTGTTGGCTGG on the coding strand, the reverse complement: TCTN3 is on the minus strand); deleting any 22 consecutive bases within chr10:95,685,584-95,685,607 gives the same sequence; the c. name uses the placement nearest the transcript's 3' end. VCF-style (leftmost placement, unchanged base first): chr10-95685583-TCCAGCCAACAGAGGAGCATTAG-T. GRCh37 (hg19) VCF-style: chr10-97445340-TCCAGCCAACAGAGGAGCATTAG-T.
Other names: c.972_993del22, p.Ala325Glufs (NM_001013840.1); c.651+890_651+911del (NM_001143973.2); short protein forms A307fs.
Identifiers: ClinVar variation 2086552 (VCV002086552.4), dbSNP rs2492753291, ClinGen allele CA2580082511.
Genomic context (GRCh38, chr10:95,685,583, plus strand): 5'-CATCAGTCCAGAATCTGAGGTCAGTATCCCTACCTGAGAAACTACATTCTGACAAGTGTT[TCCAGCCAACAGAGGAGCATTAG>T]CCTGTGAGGTAAGTATTACAGGAACCTGGAACTAGCAACGAAAAGAAGCAAATTAACTAA-3'

ClinVar aggregate classification (germline): Pathogenic (1 of 4 stars; one submission).

Conditions:
Joubert syndrome 18 (JBTS18). Identifiers: Orphanet 2754, MedGen C3553758, MONDO:0013896, OMIM 614815.
Orofacial-digital syndrome IV (OFD4). Also called: BARAITSER-BURN SYNDROME; OFD SYNDROME WITH TIBIAL DEFECTS; OFD SYNDROME, BARAITSER-BURN TYPE; OFDS IV; ORAL-FACIAL-DIGITAL SYNDROME, TYPE IV; Orofaciodigital syndrome IV. Identifiers: Orphanet 2753, MedGen C0406727, MONDO:0009794, OMIM 258860.

Submission:

Labcorp Genetics (formerly Invitae), Labcorp
Classification: Pathogenic for Joubert syndrome 18; Orofacial-digital syndrome IV. Last evaluated: 2022-07-12. Review status: criteria provided, single submitter. Criteria: Invitae Variant Classification Sherloc (09022015). Collection method: clinical testing. Allele origin: germline.
Comment: This sequence change creates a premature translational stop signal (p.Ala307Glufs*7) in the TCTN3 gene. It is expected to result in an absent or disrupted protein product. Loss-of-function variants in TCTN3 are known to be pathogenic (PMID: 2692869, 22883145, 25118024). For these reasons, this variant has been classified as Pathogenic. Algorithms developed to predict the effect of sequence changes on RNA splicing suggest that this variant may disrupt the consensus splice site. This variant has not been reported in the literature in individuals affected with TCTN3-related conditions. This variant is not present in population databases (gnomAD no frequency).

Literature cited by the submitters: PubMed 2692869; PubMed 22883145; PubMed 25118024.